The following is an entry in ClinVar:

ClinVar aggregate classification (germline): Uncertain significance (1 of 4 stars; one submission).

Allele frequency attached by ClinVar (database versions not stated): TOPMed below 0.00001.

Submission:

GeneDx
Classification: Uncertain significance. Last evaluated: 2019-04-04. Review status: criteria provided, single submitter. Criteria: GeneDx Variant Classification Process June 2021. Collection method: clinical testing. Allele origin: germline. Affected: yes.
Comment: Not observed at a significant frequency in large population cohorts (Lek et al., 2016); In silico analysis, which includes protein predictors and evolutionary conservation, supports a deleterious effect; Has not been previously published as pathogenic or benign to our knowledge; Within the protein kinase domain (UniProt)

NM_004431.5(EPHA2):c.2149G>A (p.Val717Met)

Gene: EPHA2 (EPH receptor A2; minus strand). Cytogenetic location: 1p36.13.
Variant type: single nucleotide variant.
Coding change: c.2149G>A on transcript NM_004431.5 (MANE Select); coding-DNA position 2149, G replaced by A.
Protein change: p.Val717Met; replaces valine 717 with methionine.
Molecular consequence: missense variant.
Genome position (GRCh38, 1-based): chr1:16,132,240, C>T on the plus strand (G>A on the coding strand, the complement: EPHA2 is on the minus strand). VCF-style: chr1-16132240-C-T. GRCh37 (hg19) VCF-style: chr1-16458735-C-T.
Other names: c.1987G>A, p.Val663Met (NM_001329090.2); short protein forms V663M, V717M.
Identifiers: ClinVar variation 1302075 (VCV001302075.2), dbSNP rs2024583634, ClinGen allele CA338622679.